The following is an entry in ClinVar:

ClinVar aggregate classification (germline): Benign (1 of 4 stars; one submission).

Conditions:
Diamond-Blackfan anemia 9 (DBA9). Also called: RPS10-Related Diamond-Blackfan Anemia. Identifiers: Orphanet 124, MedGen C2750081, MONDO:0013216, OMIM 613308.

Allele frequency attached by ClinVar (database versions not stated): gnomAD 0.00218 and 0.00254; TOPMed 0.00265; 1000 Genomes Project 0.00759; 1000 Genomes Project 30x 0.00765.

Submission:

Illumina Laboratory Services, Illumina
Classification: Benign for Diamond-Blackfan anemia 9. Last evaluated: 2018-01-12. Review status: criteria provided, single submitter. Criteria: ICSL Variant Classification Criteria 13 December 2019. Collection method: clinical testing. Allele origin: germline.
Comment: This variant was observed in the ICSL laboratory as part of a predisposition screen in an ostensibly healthy population. It had not been previously curated by ICSL or reported in the Human Gene Mutation Database (HGMD: prior to June 1st, 2018), and was therefore a candidate for classification through an automated scoring system. Utilizing variant allele frequency, disease prevalence and penetrance estimates, and inheritance mode, an automated score was calculated to assess if this variant is too frequent to cause the disease. Based on the score and internal cut-off values, a variant classified as benign is not then subjected to further curation. The score for this variant resulted in a classification of benign for this disease.

NM_001014.5(RPS10):c.-29C>T

Genes: RPS10 (ribosomal protein S10; minus strand), RPS10-NUDT3 (RPS10-NUDT3 readthrough; minus strand). Cytogenetic location: 6p21.31.
Variant type: single nucleotide variant.
Coding change: c.-29C>T on transcript NM_001014.5 (MANE Select); 29 bases upstream of the start codon, C replaced by T.
Molecular consequence: 5 prime UTR variant.
Genome position (GRCh38, 1-based): chr6:34,426,060, G>A on the plus strand (C>T on the coding strand, the complement: RPS10 is on the minus strand). VCF-style: chr6-34426060-G-A. GRCh37 (hg19) VCF-style: chr6-34393837-G-A.
Other names: c.-29C>T (NM_001202470.3); c.-265C>T (NM_001203245.3); c.-33C>T (NM_001204091.2).
Identifiers: ClinVar variation 356428 (VCV000356428.5), dbSNP rs140822093, ClinGen allele CA10623682.